The following is an entry in ClinVar:

NM_198525.3(KIF7):c.120G>A (p.Val40=)

Gene: KIF7 (kinesin family member 7; minus strand). Cytogenetic location: 15q26.1.
Variant type: single nucleotide variant.
Coding change: c.120G>A on transcript NM_198525.3 (MANE Select); coding-DNA position 120, G replaced by A.
Protein change: p.Val40=; no amino-acid change (valine 40 retained).
Molecular consequence: synonymous variant.
Genome position (GRCh38, 1-based): chr15:89,652,811, C>T on the plus strand (G>A on the coding strand, the complement: KIF7 is on the minus strand). VCF-style: chr15-89652811-C-T. GRCh37 (hg19) VCF-style: chr15-90196042-C-T.
Identifiers: ClinVar variation 2023539 (VCV002023539.4), dbSNP rs2505510537, ClinGen allele CA492293335.

ClinVar aggregate classification (germline): Uncertain significance (1 of 4 stars; one submission).

Conditions:
Acrocallosal syndrome (ACLS). Also called: HALLUX DUPLICATION, POSTAXIAL POLYDACTYLY, AND ABSENCE OF CORPUS CALLOSUM; Schinzel syndrome 1; Absence of corpus callosum with unusual facial appearance, mental deficiency, duplication of the halluces and polydactyly. Identifiers: Orphanet 36, MedGen C0796147, MONDO:0008708, OMIM 200990.

Submission:

Labcorp Genetics (formerly Invitae), Labcorp
Classification: Uncertain significance for Acrocallosal syndrome. Last evaluated: 2022-08-11. Review status: criteria provided, single submitter. Criteria: Invitae Variant Classification Sherloc (09022015). Collection method: clinical testing. Allele origin: germline.
Comment: Algorithms developed to predict the effect of sequence changes on RNA splicing suggest that this variant may create or strengthen a splice site. In summary, the available evidence is currently insufficient to determine the role of this variant in disease. Therefore, it has been classified as a Variant of Uncertain Significance. This variant has not been reported in the literature in individuals affected with KIF7-related conditions. This variant is not present in population databases (gnomAD no frequency). This sequence change affects codon 40 of the KIF7 mRNA. It is a 'silent' change, meaning that it does not change the encoded amino acid sequence of the KIF7 protein.